The following is an entry in ClinVar:

NM_004360.5(CDH1):c.1444G>A (p.Glu482Lys)

Gene: CDH1 (cadherin 1; plus strand). Cytogenetic location: 16q22.1.
Variant type: single nucleotide variant.
Coding change: c.1444G>A on transcript NM_004360.5 (MANE Select); coding-DNA position 1444, G replaced by A.
Protein change: p.Glu482Lys; replaces glutamic acid 482 with lysine.
Molecular consequence: missense variant. On other transcripts: 5 prime UTR variant (2).
Genome position (GRCh38, 1-based): chr16:68,815,638, G>A. VCF-style: chr16-68815638-G-A. GRCh37 (hg19) VCF-style: chr16-68849541-G-A.
Other names: c.1444G>A (LRG_301t1); c.1261G>A, p.Glu421Lys (NM_001317184.2); c.-105G>A (NM_001317185.2); c.-376G>A (NM_001317186.2); short protein forms E482K, E421K.
Identifiers: ClinVar variation 479486 (VCV000479486.11), dbSNP rs1555516138, ClinGen allele CA396463039.

ClinVar aggregate classification (germline): Uncertain significance. Review status: criteria provided, multiple submitters, no conflicts (2 of 4 stars). 2 submissions from 2 submitters: Uncertain significance (2). Last evaluated 2025-10-29.

Conditions:
Hereditary cancer-predisposing syndrome. Also called: Tumor predisposition; Neoplastic Syndromes, Hereditary; Hereditary Cancer Syndrome; Hereditary neoplastic syndrome. Identifiers: Orphanet 140162, MedGen C0027672, MeSH D009386, MONDO:0015356.
Hereditary diffuse gastric adenocarcinoma (HDGC). Also called: DIFFUSE GASTRIC AND LOBULAR BREAST CANCER SYNDROME. Identifiers: Orphanet 26106, MedGen C1708349, MONDO:0007648, OMIM 137215.

Submissions (2):

Ambry Genetics
Classification: Uncertain significance for Hereditary cancer-predisposing syndrome. Last evaluated: 2025-10-29. Review status: criteria provided, single submitter. Criteria: Ambry Variant Classification Scheme 2023. Collection method: clinical testing. Allele origin: germline.
Comment: The p.E482K variant (also known as c.1444G>A), located in coding exon 10 of the CDH1 gene, results from a G to A substitution at nucleotide position 1444. The glutamic acid at codon 482 is replaced by lysine, an amino acid with similar properties. This amino acid position is highly conserved in available vertebrate species. In addition, this alteration is predicted to be deleterious by in silico analysis. Based on the available evidence, the clinical significance of this variant remains unclear.

Labcorp Genetics (formerly Invitae), Labcorp
Classification: Uncertain significance for Hereditary diffuse gastric adenocarcinoma. Last evaluated: 2025-04-02. Review status: criteria provided, single submitter. Criteria: Invitae Variant Classification Sherloc (09022015). Collection method: clinical testing. Allele origin: germline.
Comment: This sequence change replaces glutamic acid, which is acidic and polar, with lysine, which is basic and polar, at codon 482 of the CDH1 protein (p.Glu482Lys). This variant is not present in population databases (gnomAD no frequency). This variant has not been reported in the literature in individuals affected with CDH1-related conditions. ClinVar contains an entry for this variant (Variation ID: 479486). An algorithm developed to predict the effect of missense changes on protein structure and function (PolyPhen-2) suggests that this variant is likely to be disruptive. In summary, the available evidence is currently insufficient to determine the role of this variant in disease. Therefore, it has been classified as a Variant of Uncertain Significance.